The following is an entry in ClinVar:

NM_001103.4(ACTN2):c.1656+92G>T

Gene: ACTN2 (actinin alpha 2; plus strand). Cytogenetic location: 1q43.
Variant type: single nucleotide variant.
Coding change: c.1656+92G>T on transcript NM_001103.4 (MANE Select); 92 bases into the intron after coding-DNA position 1656, G replaced by T.
Molecular consequence: intron variant.
Genome position (GRCh38, 1-based): chr1:236,749,356, G>T. VCF-style: chr1-236749356-G-T. GRCh37 (hg19) VCF-style: chr1-236912656-G-T.
Other names: c.1032+92G>T (NM_001278344.2); c.1656+92G>T (NM_001278343.2).
Identifiers: ClinVar variation 673408 (VCV000673408.2), dbSNP rs3818883, ClinGen allele CA10962432.

ClinVar aggregate classification (germline): Benign. Review status: criteria provided, multiple submitters, no conflicts (2 of 4 stars). 2 submissions from 2 submitters: Benign (2). Last evaluated 2018-06-16.

Allele frequency attached by ClinVar (database versions not stated): gnomAD exomes 0.04359; gnomAD 0.11014 and 0.11136; TOPMed 0.11422; 1000 Genomes Project 0.14956; 1000 Genomes Project 30x 0.15256.
gnomAD v4.1: 78,240 of 1,542,002 alleles (5.1%); highest among the groups gnomAD compares: African/African-American, 27%; 4,373 homozygotes.

Submissions (2):

GeneDx
Classification: Benign. Last evaluated: 2018-06-16. Review status: criteria provided, single submitter. Criteria: GeneDx Variant Classification (06012015). Collection method: clinical testing. Allele origin: germline. Affected: yes.
Comment: This variant is considered likely benign or benign based on one or more of the following criteria: it is a conservative change, it occurs at a poorly conserved position in the protein, it is predicted to be benign by multiple in silico algorithms, and/or has population frequency not consistent with disease.

Breakthrough Genomics
Classification: Benign. Review status: criteria provided, single submitter. Criteria: ACMG Guidelines, 2015. Collection method: not provided. Allele origin: germline. Inheritance: Autosomal dominant inheritance. Affected: yes.